The following is an entry in ClinVar:

ClinVar aggregate classification (germline): Benign/Likely benign. Review status: criteria provided, multiple submitters, no conflicts (2 of 4 stars). 3 submissions from 3 submitters: Benign (1); Likely benign (1). 1 of the submissions does not count toward it. Last evaluated 2024-06-02.

Conditions:
REEP6-related disorder. Also called: REEP6-related condition.

gnomAD v4.1: 94 of 1,604,294 alleles (0.0059%); highest among the groups gnomAD compares: East Asian, 0.087%; no homozygotes.

Submissions (3):

Labcorp Genetics (formerly Invitae), Labcorp
Classification: Likely benign. Last evaluated: 2024-06-02. Review status: criteria provided, single submitter. Criteria: Invitae Variant Classification Sherloc (09022015). Collection method: clinical testing. Allele origin: germline.

Blueprint Genetics
Classification: Benign. Last evaluated: 2022-05-30. Review status: criteria provided, single submitter. Criteria: ACMG Guidelines, 2015. Collection method: clinical testing. Allele origin: germline.

PreventionGenetics, part of Exact Sciences
Classification: Likely benign for REEP6-related condition. Last evaluated: 2023-08-22. Review status: no assertion criteria provided. Collection method: clinical testing. Allele origin: germline. Not counted in ClinVar's aggregate classification.
Comment: This variant is classified as likely benign based on ACMG/AMP sequence variant interpretation guidelines (Richards et al. 2015 PMID: 25741868, with internal and published modifications).

NM_138393.4(REEP6):c.352G>A (p.Ala118Thr)

Gene: REEP6 (receptor accessory protein 6; plus strand). Cytogenetic location: 19p13.3.
Variant type: single nucleotide variant.
Coding change: c.352G>A on transcript NM_138393.4 (MANE Select); coding-DNA position 352, G replaced by A.
Protein change: p.Ala118Thr; replaces alanine 118 with threonine.
Molecular consequence: missense variant.
Genome position (GRCh38, 1-based): chr19:1,496,288, G>A. VCF-style: chr19-1496288-G-A. GRCh37 (hg19) VCF-style: chr19-1496287-G-A.
Other names: c.352G>A (NM_001329556.1); c.352G>A, p.Ala118Thr (NM_001329556.3); short protein forms A118T.
Identifiers: ClinVar variation 2963558 (VCV002963558.6), dbSNP rs745761712, ClinGen allele CA9047551.